The following is an entry in ClinVar:

NM_001127208.3(TET2):c.1559G>A (p.Gly520Asp)

Genes: TET2 (tet methylcytosine dioxygenase 2; plus strand), TET2-AS1 (TET2 antisense RNA 1; minus strand). Cytogenetic location: 4q24.
Variant type: single nucleotide variant.
Coding change: c.1559G>A on transcript NM_001127208.3 (MANE Select); coding-DNA position 1559, G replaced by A.
Protein change: p.Gly520Asp; replaces glycine 520 with aspartic acid.
Molecular consequence: missense variant.
Genome position (GRCh38, 1-based): chr4:105,235,501, G>A. VCF-style: chr4-105235501-G-A. GRCh37 (hg19) VCF-style: chr4-106156658-G-A.
Other names: c.1559G>A, p.Gly520Asp (NM_017628.4); short protein forms G520D.
Identifiers: ClinVar variation 3805932 (VCV003805932.1).

ClinVar aggregate classification (germline): Uncertain significance (1 of 4 stars; one submission).

gnomAD v4.1: 3 of 1,614,134 alleles (0.00019%); highest among the groups gnomAD compares: Admixed American, 0.0017%; no homozygotes.

Submission:

Ambry Genetics
Classification: Uncertain significance. Last evaluated: 2025-01-05. Review status: criteria provided, single submitter. Criteria: Ambry Variant Classification Scheme 2023. Collection method: clinical testing. Allele origin: germline.
Comment: The p.G520D variant (also known as c.1559G>A), located in coding exon 1 of the TET2 gene, results from a G to A substitution at nucleotide position 1559. The glycine at codon 520 is replaced by aspartic acid, an amino acid with similar properties. This amino acid position is conserved. In addition, this alteration is predicted to be tolerated by in silico analysis. Based on the available evidence, the clinical significance of this variant remains unclear.